The following is an entry in ClinVar:

ClinVar aggregate classification (germline): Likely pathogenic (1 of 4 stars; one submission).

Conditions:
Nephronophthisis 15 (NPHP15). Identifiers: Orphanet 3156, MedGen C3541853, MONDO:0013917, OMIM 614845.

Allele frequency attached by ClinVar (database versions not stated): TOPMed 0.00001.
gnomAD v4.1: 2 of 1,604,962 alleles (0.00012%); highest among the groups gnomAD compares: Non-Finnish European, 0.00017%; no homozygotes.

Submission:

Labcorp Genetics (formerly Invitae), Labcorp
Classification: Likely pathogenic for Nephronophthisis 15. Last evaluated: 2022-03-20. Review status: criteria provided, single submitter. Criteria: Invitae Variant Classification Sherloc (09022015). Collection method: clinical testing. Allele origin: germline.
Comment: In summary, the currently available evidence indicates that the variant is pathogenic, but additional data are needed to prove that conclusively. Therefore, this variant has been classified as Likely Pathogenic. Algorithms developed to predict the effect of sequence changes on RNA splicing suggest that this variant may disrupt the consensus splice site. This variant has not been reported in the literature in individuals affected with CEP164-related conditions. This variant is not present in population databases (gnomAD no frequency). This sequence change affects a donor splice site in intron 17 of the CEP164 gene. It is expected to disrupt RNA splicing. Variants that disrupt the donor or acceptor splice site typically lead to a loss of protein function (PMID: 16199547), and loss-of-function variants in CEP164 are known to be pathogenic (PMID: 22863007, 28125082, 32367404, 34132027, 34499853).

Literature cited by the submitters: PubMed 16199547; PubMed 22863007; PubMed 28125082; PubMed 32367404; PubMed 34132027; PubMed 34499853.

NM_014956.5(CEP164):c.2283+1G>C

Gene: CEP164 (centrosomal protein 164; plus strand). Cytogenetic location: 11q23.3.
Variant type: single nucleotide variant.
Coding change: c.2283+1G>C on transcript NM_014956.5 (MANE Select); the canonical splice donor site of the intron after coding-DNA position 2283, G replaced by C.
Molecular consequence: splice donor variant.
Genome position (GRCh38, 1-based): chr11:117,391,216, G>C. VCF-style: chr11-117391216-G-C. GRCh37 (hg19) VCF-style: chr11-117261932-G-C.
Other names: c.2292+1G>C (NM_001271933.2).
Identifiers: ClinVar variation 2107746 (VCV002107746.4), dbSNP rs1166097710, ClinGen allele CA382723838.